The following is an entry in ClinVar:

NM_015355.4(SUZ12):c.1075_1076del (p.Leu359fs)

Gene: SUZ12 (SUZ12 polycomb repressive complex 2 subunit; plus strand). Cytogenetic location: 17q11.2.
Variant type: Microsatellite.
Coding change: c.1075_1076del on transcript NM_015355.4 (MANE Select); coding-DNA positions 1075 to 1076, 2 bases deleted (CT; older notation c.1075_1076delCT).
Protein change: p.Leu359fs; shifts the reading frame from leucine 359.
Molecular consequence: frameshift variant.
Genome position (GRCh38, 1-based): chr17:31,988,371-31,988,372, CT deleted; deleting any 2 consecutive bases within chr17:31,988,369-31,988,372 gives the same sequence; the c. name uses the placement nearest the transcript's 3' end. VCF-style (leftmost placement, unchanged base first): chr17-31988368-ACT-A. GRCh37 (hg19) VCF-style: chr17-30315387-ACT-A.
Other names: c.1006_1007del, p.Leu336fs (NM_001321207.2); short protein forms L336fs, L359fs.
Identifiers: ClinVar variation 4685001 (VCV004685001.1).

ClinVar aggregate classification (germline): Likely pathogenic (1 of 4 stars; one submission).

Conditions:
Imagawa-Matsumoto syndrome. Identifiers: Orphanet 659463, MedGen C5394073, MONDO:0032916, OMIM 618786.

Submission:

Variantyx, Inc.
Classification: Likely pathogenic for Imagawa-Matsumoto syndrome. Review status: criteria provided, single submitter. Criteria: Variantyx Assertion Criteria 2022. Collection method: clinical testing. Allele origin: germline. Inheritance: Autosomal dominant inheritance. Affected: yes.
Comment: This is a frameshift variant in the SUZ12 gene (OMIM: 606245). Pathogenic variants in this gene have been associated with autosomal dominant Imagawa-Matsumoto syndrome. This variant introduces a premature termination codon in exon 10 out of 16. It is expected to result in loss of function, which is a known disease mechanism for SUZ12 in this disorder (PMID: 36645289) (PVS1). This variant is absent from control populations (PM2_Supporting). This variant has not been reported in individuals with SUZ12-related disorders in the databases available for review. Based on the current evidence, this variant is classified as likely pathogenic for autosomal dominant Imagawa-Matsumoto syndrome.

Literature cited by the submitters: PubMed 36645289.